The following is an entry in ClinVar:

NM_000392.5(ABCC2):c.2275A>G (p.Ile759Val)

Gene: ABCC2 (ATP binding cassette subfamily C member 2; plus strand). Cytogenetic location: 10q24.2.
Variant type: single nucleotide variant.
Coding change: c.2275A>G on transcript NM_000392.5 (MANE Select); coding-DNA position 2275, A replaced by G.
Protein change: p.Ile759Val; replaces isoleucine 759 with valine.
Molecular consequence: missense variant.
Genome position (GRCh38, 1-based): chr10:99,818,793, A>G. VCF-style: chr10-99818793-A-G. GRCh37 (hg19) VCF-style: chr10-101578550-A-G.
Other names: c.2275A>G (NM_000392.4); short protein forms I759V.
Identifiers: ClinVar variation 3396084 (VCV003396084.3).
Genomic context (GRCh38, chr10:99,818,793, plus strand): 5'-ATTCTGTGAAGGTGGATCTAGGGAGTAGTGCTTAATATGAATTATTTTCTTCTTCAGGGT[A>G]TAAATCTTAGTGGGGGTCAGAAGCAGCGGATCAGCCTGGCCAGAGCTACCTACCAAAATT-3'
Protein context (NP_000383.2, residues 749-769): GDLAEIGEKG[Ile759Val]NLSGGQKQRI

ClinVar aggregate classification (germline): Uncertain significance. Review status: criteria provided, multiple submitters, no conflicts (2 of 4 stars). 3 submissions from 3 submitters: Uncertain significance (3). Last evaluated 2026-05-13.

Conditions:
Inborn genetic diseases. Identifiers: MedGen C0950123, MeSH D030342.
ABCC2-related disorder. Also called: ABCC2-related condition.

gnomAD v4.1: 30 of 1,613,998 alleles (0.0019%); highest among the groups gnomAD compares: Middle Eastern, 0.017%; no homozygotes.

Submissions (3):

PreventionGenetics, part of Exact Sciences
Classification: Uncertain significance for ABCC2-related condition. Last evaluated: 2026-05-13. Review status: criteria provided, single submitter. Criteria: ACMG Guidelines, 2015. Collection method: clinical testing. Allele origin: germline.
Comment: The ABCC2 c.2275A>G variant is predicted to result in the amino acid substitution p.Ile759Val. To our knowledge, this variant has not been reported in the literature. This variant is reported in 0.0040% of alleles in individuals of African descent in gnomAD. At this time, the clinical significance of this variant is uncertain due to the absence of conclusive functional and genetic evidence.

Labcorp Genetics (formerly Invitae), Labcorp
Classification: Uncertain significance. Last evaluated: 2025-12-15. Review status: criteria provided, single submitter. Criteria: Invitae Variant Classification Sherloc (09022015). Collection method: clinical testing. Allele origin: germline.
Comment: This sequence change replaces isoleucine, which is neutral and non-polar, with valine, which is neutral and non-polar, at codon 759 of the ABCC2 protein (p.Ile759Val). This variant is present in population databases (rs779203197, gnomAD 0.004%). This variant has not been reported in the literature in individuals affected with ABCC2-related conditions. ClinVar contains an entry for this variant (Variation ID: 3396084). Invitae Evidence Modeling of protein sequence and biophysical properties (such as structural, functional, and spatial information, amino acid conservation, physicochemical variation, residue mobility, and thermodynamic stability) indicates that this missense variant is not expected to disrupt ABCC2 protein function with a negative predictive value of 80%. In summary, the available evidence is currently insufficient to determine the role of this variant in disease. Therefore, it has been classified as a Variant of Uncertain Significance.

Ambry Genetics
Classification: Uncertain significance for Inborn genetic diseases. Last evaluated: 2024-11-25. Review status: criteria provided, single submitter. Criteria: Ambry Variant Classification Scheme 2023. Collection method: clinical testing. Allele origin: germline.